The following is an entry in ClinVar:

ClinVar aggregate classification (germline): Uncertain significance. Review status: criteria provided, multiple submitters, no conflicts (2 of 4 stars). 2 submissions from 2 submitters: Uncertain significance (2). Last evaluated 2025-12-03.

Conditions:
Inborn genetic diseases. Identifiers: MedGen C0950123, MeSH D030342.

Allele frequency attached by ClinVar (database versions not stated): TOPMed below 0.00001.

Submissions (2):

Ambry Genetics
Classification: Uncertain significance for Inborn genetic diseases. Last evaluated: 2025-12-03. Review status: criteria provided, single submitter. Criteria: Ambry Variant Classification Scheme 2023. Collection method: clinical testing. Allele origin: germline.

Labcorp Genetics (formerly Invitae), Labcorp
Classification: Uncertain significance. Last evaluated: 2022-04-12. Review status: criteria provided, single submitter. Criteria: Invitae Variant Classification Sherloc (09022015). Collection method: clinical testing. Allele origin: germline.
Comment: In summary, the available evidence is currently insufficient to determine the role of this variant in disease. Therefore, it has been classified as a Variant of Uncertain Significance. Algorithms developed to predict the effect of missense changes on protein structure and function are either unavailable or do not agree on the potential impact of this missense change (SIFT: "Deleterious"; PolyPhen-2: "Benign"; Align-GVGD: "Class C25"). This variant has not been reported in the literature in individuals affected with SLC9A3R1-related conditions. This variant is not present in population databases (gnomAD no frequency). This sequence change replaces isoleucine, which is neutral and non-polar, with threonine, which is neutral and polar, at codon 264 of the SLC9A3R1 protein (p.Ile264Thr).

NM_004252.5(NHERF1):c.791T>C (p.Ile264Thr)

Gene: NHERF1 (NHERF family PDZ scaffold protein 1; plus strand). Cytogenetic location: 17q25.1.
Variant type: single nucleotide variant.
Coding change: c.791T>C on transcript NM_004252.5 (MANE Select); coding-DNA position 791, T replaced by C.
Protein change: p.Ile264Thr; replaces isoleucine 264 with threonine.
Molecular consequence: missense variant.
Genome position (GRCh38, 1-based): chr17:74,766,969, T>C. VCF-style: chr17-74766969-T-C. GRCh37 (hg19) VCF-style: chr17-72763108-T-C.
Other names: c.791T>C (NM_004252.3); short protein forms I264T.
Identifiers: ClinVar variation 2791968 (VCV002791968.4), dbSNP rs1462034651, ClinGen allele CA400941350.